The following is an entry in ClinVar:

ClinVar aggregate classification (germline): Likely pathogenic (1 of 4 stars; one submission).

Submission:

Labcorp Genetics (formerly Invitae), Labcorp
Classification: Likely pathogenic. Last evaluated: 2024-04-11. Review status: criteria provided, single submitter. Criteria: Invitae Variant Classification Sherloc (09022015). Collection method: clinical testing. Allele origin: germline.
Comment: This sequence change affects an acceptor splice site in intron 12 of the RERE gene. It is expected to disrupt RNA splicing. Variants that disrupt the donor or acceptor splice site typically lead to a loss of protein function (PMID: 16199547), and loss-of-function variants in RERE are known to be pathogenic (PMID: 27087320). This variant is not present in population databases (gnomAD no frequency). This variant has not been reported in the literature in individuals affected with RERE-related conditions. Algorithms developed to predict the effect of sequence changes on RNA splicing suggest that this variant may disrupt the consensus splice site. In summary, the currently available evidence indicates that the variant is pathogenic, but additional data are needed to prove that conclusively. Therefore, this variant has been classified as Likely Pathogenic.

Literature cited by the submitters: PubMed 16199547; PubMed 27087320.

NM_001042681.2(RERE):c.1204-1G>A

Gene: RERE (arginine-glutamic acid dipeptide repeats; minus strand). Cytogenetic location: 1p36.23.
Variant type: single nucleotide variant.
Coding change: c.1204-1G>A on transcript NM_001042681.2 (MANE Select); the canonical splice acceptor site of the intron before coding-DNA position 1204, G replaced by A.
Molecular consequence: splice acceptor variant.
Genome position (GRCh38, 1-based): chr1:8,422,808, C>T on the plus strand (G>A on the coding strand, the complement: RERE is on the minus strand). VCF-style: chr1-8422808-C-T. GRCh37 (hg19) VCF-style: chr1-8482868-C-T.
Other names: c.1204-1G>A (NM_012102.4); c.-459-1G>A (NM_001042682.2).
Identifiers: ClinVar variation 3649634 (VCV003649634.2).
Genomic context (GRCh38, chr1:8,422,808, plus strand): 5'-CTCCTTTCTAATTCTGAAGAAGTTCTTCCCGTACTGCCTGAGTCCCTTAACGAAGCGTTT[C>T]TGTGATAAAAAGAAACAAATGGGATGTAAAAACCAAAAACAAAACAGGATGTCAGCAAAG-3'